The following is an entry in ClinVar:

ClinVar aggregate classification (germline): Uncertain significance (1 of 4 stars; one submission).

Submission:

Labcorp Genetics (formerly Invitae), Labcorp
Classification: Uncertain significance. Last evaluated: 2022-01-01. Review status: criteria provided, single submitter. Criteria: Invitae Variant Classification Sherloc (09022015). Collection method: clinical testing. Allele origin: germline.
Comment: This sequence change replaces alanine, which is neutral and non-polar, with valine, which is neutral and non-polar, at codon 376 of the POLE protein (p.Ala376Val). This variant is not present in population databases (gnomAD no frequency). This variant has not been reported in the literature in individuals affected with POLE-related conditions. Algorithms developed to predict the effect of missense changes on protein structure and function are either unavailable or do not agree on the potential impact of this missense change (SIFT: "Deleterious"; PolyPhen-2: "Probably Damaging"; Align-GVGD: "Class C0"). Algorithms developed to predict the effect of sequence changes on RNA splicing suggest that this variant may create or strengthen a splice site. In summary, the available evidence is currently insufficient to determine the role of this variant in disease. Therefore, it has been classified as a Variant of Uncertain Significance.

NM_006231.4(POLE):c.1127C>T (p.Ala376Val)

Gene: POLE (DNA polymerase epsilon, catalytic subunit; minus strand). Cytogenetic location: 12q24.33.
Variant type: single nucleotide variant.
Coding change: c.1127C>T on transcript NM_006231.4 (MANE Select); coding-DNA position 1127, C replaced by T.
Protein change: p.Ala376Val; replaces alanine 376 with valine.
Molecular consequence: missense variant.
Genome position (GRCh38, 1-based): chr12:132,675,497, G>A on the plus strand (C>T on the coding strand, the complement: POLE is on the minus strand). VCF-style: chr12-132675497-G-A. GRCh37 (hg19) VCF-style: chr12-133252083-G-A.
Other names: short protein forms A376V.
Identifiers: ClinVar variation 2068335 (VCV002068335.4), dbSNP rs1202544604, ClinGen allele CA387361138.